The following is an entry in ClinVar:

ClinVar aggregate classification (germline): Uncertain significance. Review status: criteria provided, multiple submitters, no conflicts (2 of 4 stars). 10 submissions from 10 submitters: Uncertain significance (9). 1 of the submissions does not count toward it. Last evaluated 2025-08-26.

Conditions:
Inborn genetic diseases. Identifiers: MedGen C0950123, MeSH D030342.
Glycine encephalopathy. Also called: Nonketotic hyperglycinemia; Non-ketotic hyperglycinemia. Identifiers: Orphanet 407, MedGen C0751748, MONDO:0011612, HP:0008288.
Glycine encephalopathy 1 (GCE1). Identifiers: MedGen CN376801, MONDO:0958179, OMIM 605899.

Allele frequency attached by ClinVar (database versions not stated): ExAC 0.00003; gnomAD 0.00010 and 0.00011; TOPMed 0.00014.
gnomAD v4.1: 289 of 1,613,780 alleles (0.018%); highest among the groups gnomAD compares: East Asian, 0.029%; no homozygotes.

Submissions (10):

Athena Diagnostics
Classification: Uncertain significance. Last evaluated: 2025-08-26. Review status: criteria provided, single submitter. Criteria: Athena Diagnostics Criteria. Collection method: clinical testing. Allele origin: unknown.
Comment: Available data are insufficient to determine the clinical significance of the variant at this time. The frequency of this variant in the general population is uninformative in assessment of its pathogenicity. Polyphen and MutationTaster predict this amino acid change may be damaging to the protein.

GeneDx
Classification: Uncertain significance. Last evaluated: 2024-04-24. Review status: criteria provided, single submitter. Criteria: GeneDx Variant Classification Process June 2021. Collection method: clinical testing. Allele origin: germline. Affected: yes.
Comment: In silico analysis supports that this missense variant has a deleterious effect on protein structure/function; Has not been previously published as pathogenic or benign to our knowledge

Ambry Genetics
Classification: Uncertain significance for Inborn genetic diseases. Last evaluated: 2024-04-03. Review status: criteria provided, single submitter. Criteria: Ambry Variant Classification Scheme 2023. Collection method: clinical testing. Allele origin: germline.

Labcorp Genetics (formerly Invitae), Labcorp
Classification: Uncertain significance for Glycine encephalopathy. Last evaluated: 2022-09-01. Review status: criteria provided, single submitter. Criteria: Invitae Variant Classification Sherloc (09022015). Collection method: clinical testing. Allele origin: germline.
Comment: This sequence change replaces methionine, which is neutral and non-polar, with valine, which is neutral and non-polar, at codon 840 of the GLDC protein (p.Met840Val). This variant is present in population databases (rs781693346, gnomAD 0.02%). This variant has not been reported in the literature in individuals affected with GLDC-related conditions. ClinVar contains an entry for this variant (Variation ID: 367180). Advanced modeling of protein sequence and biophysical properties (such as structural, functional, and spatial information, amino acid conservation, physicochemical variation, residue mobility, and thermodynamic stability) performed at Invitae indicates that this missense variant is expected to disrupt GLDC protein function. In summary, the available evidence is currently insufficient to determine the role of this variant in disease. Therefore, it has been classified as a Variant of Uncertain Significance.

Fulgent Genetics
Classification: Uncertain significance for Glycine encephalopathy 1. Last evaluated: 2021-08-16. Review status: criteria provided, single submitter. Criteria: ACMG Guidelines, 2015. Collection method: clinical testing. Allele origin: unknown.

Department of Pathology and Laboratory Medicine, Sinai Health System
Classification: Uncertain significance for Glycine encephalopathy 1. Last evaluated: 2021-07-30. Review status: criteria provided, single submitter. Criteria: ACMG Guidelines, 2015. Collection method: research. Allele origin: germline.

Baylor Genetics
Classification: Uncertain significance for Glycine encephalopathy 1. Last evaluated: 2018-08-02. Review status: criteria provided, single submitter. Criteria: ACMG Guidelines, 2015. Collection method: clinical testing. Allele origin: maternal. Affected: yes.
Comment: This variant was determined to be of uncertain significance according to ACMG Guidelines, 2015 [PMID:25741868].

Illumina Laboratory Services, Illumina
Classification: Uncertain significance for Glycine encephalopathy 1. Last evaluated: 2018-01-13. Review status: criteria provided, single submitter. Criteria: ICSL Variant Classification Criteria 13 December 2019. Collection method: clinical testing. Allele origin: germline.

Breakthrough Genomics
Classification: Uncertain significance. Review status: criteria provided, single submitter. Criteria: ACMG Guidelines, 2015. Collection method: not provided. Allele origin: germline. Inheritance: Autosomal recessive inheritance. Affected: yes.

Natera, Inc.
Classification: Uncertain significance for Non-ketotic hyperglycinemia. Last evaluated: 2020-01-05. Review status: no assertion criteria provided. Collection method: clinical testing. Allele origin: germline. Not counted in ClinVar's aggregate classification.

NM_000170.3(GLDC):c.2518A>G (p.Met840Val)

Gene: GLDC (glycine decarboxylase; minus strand). Cytogenetic location: 9p24.1.
Variant type: single nucleotide variant.
Coding change: c.2518A>G on transcript NM_000170.3 (MANE Select); coding-DNA position 2518, A replaced by G.
Protein change: p.Met840Val; replaces methionine 840 with valine.
Molecular consequence: missense variant.
Genome position (GRCh38, 1-based): chr9:6,550,854, T>C on the plus strand (A>G on the coding strand, the complement: GLDC is on the minus strand). VCF-style: chr9-6550854-T-C. GRCh37 (hg19) VCF-style: chr9-6550854-T-C.
Other names: short protein forms M840V.
Identifiers: ClinVar variation 367180 (VCV000367180.14), dbSNP rs781693346, ClinGen allele CA4980189.